The following is an entry in ClinVar:

ClinVar aggregate classification (germline): Likely pathogenic (1 of 4 stars; one submission).

Conditions:
Smith-Lemli-Opitz syndrome (SLOS). Also called: LETHAL ACRODYSGENITAL SYNDROME; POLYDACTYLY, SEX REVERSAL, RENAL HYPOPLASIA, AND UNILOBAR LUNG; RSH SYNDROME; RUTLEDGE LETHAL MULTIPLE CONGENITAL ANOMALY SYNDROME; 7-Dehydrocholesterol reductase deficiency. Identifiers: Orphanet 818, MedGen C0175694, MONDO:0010035, OMIM 270400.

Submission:

Natera, Inc.
Classification: Likely pathogenic for Smith-Lemli-Opitz syndrome. Last evaluated: 2026-01-27. Review status: criteria provided, single submitter. Criteria: Natera Variant Classification Schema (03/2026). Collection method: clinical testing. Allele origin: germline.
Comment: The c.1226_1229del variant in DHCR7 is a frameshift variant predicted to shift the reading frame beginning at codon 409 and leads to a stop codon 3 codons downstream. This variant is expected to result in nonsense mediated decay, truncation, or a dysfunctional protein product. This variant is rare in the general population with a frequency below the threshold expected for the associated phenotype(s). Given the available evidence, this variant is classified as Likely Pathogenic.

NM_001360.3(DHCR7):c.1226_1229del (p.Val409fs)

Gene: DHCR7 (7-dehydrocholesterol reductase; minus strand). Cytogenetic location: 11q13.4.
Variant type: Deletion.
Coding change: c.1226_1229del on transcript NM_001360.3 (MANE Select); coding-DNA positions 1226 to 1229, 4 bases deleted (TCGG; older notation c.1226_1229delTCGG).
Protein change: p.Val409fs; shifts the reading frame from valine 409.
Molecular consequence: frameshift variant. On other transcripts: 3 prime UTR variant (1), intron variant (3).
Genome position (GRCh38, 1-based): chr11:71,435,574-71,435,577, CCGA deleted on the plus strand (TCGG on the coding strand, the reverse complement: DHCR7 is on the minus strand); deleting any 4 consecutive bases within chr11:71,435,574-71,435,578 gives the same sequence; the c. name uses the placement nearest the transcript's 3' end. VCF-style (leftmost placement, unchanged base first): chr11-71435573-GCCGA-G. GRCh37 (hg19) VCF-style: chr11-71146619-GCCGA-G.
Other names: c.1226_1229del, p.Val409fs (NM_001163817.2, NM_001425109.1, NM_001425110.1 and 1 more transcripts); c.1225_1228delGTCG, p.Val409Alafs (NM_001360.2); c.1277_1280del, p.Val426fs (NM_001425107.1); c.1262_1265del, p.Val421fs (NM_001425108.1); c.1360_1363del, p.Ser454fs (NM_001425112.1); c.1166_1169del, p.Val389fs (NM_001425113.1); c.1130_1133del, p.Val377fs (NM_001425114.1); c.1264_1267del, p.Ser422fs (NM_001425116.1); and 5 more; short protein forms S422fs, S454fs, V351fs, V377fs, V389fs, V409fs, V421fs, V426fs.
Identifiers: ClinVar variation 4814808 (VCV004814808.1).